The following is an entry in ClinVar:

ClinVar aggregate classification (germline): Uncertain significance (1 of 4 stars; one submission).

Submission:

Laboratory for Molecular Medicine, Mass General Brigham Personalized Medicine
Classification: Uncertain significance. Last evaluated: 2014-08-07. Review status: criteria provided, single submitter. Criteria: LMM Criteria. Collection method: clinical testing. Allele origin: germline. Observed: 1 variant allele.
Comment: The Cys23838Ser variant in TTN has not been previously reported in individuals w ith cardiomyopathy or in large population studies. Computational prediction tool s and conservation analysis do not provide strong support for or against an impa ct to the protein. In summary, the clinical significance of the Cys23838Ser vari ant is uncertain.

NM_001267550.2(TTN):c.79217G>C (p.Cys26406Ser)

Genes: TTN (titin; minus strand), TTN-AS1 (TTN antisense RNA 1; plus strand). Cytogenetic location: 2q31.2.
Variant type: single nucleotide variant.
Coding change: c.79217G>C on transcript NM_001267550.2 (MANE Select); coding-DNA position 79217, G replaced by C.
Protein change: p.Cys26406Ser; replaces cysteine 26406 with serine.
Molecular consequence: missense variant.
Genome position (GRCh38, 1-based): chr2:178,566,915, C>G on the plus strand (G>C on the coding strand, the complement: TTN is on the minus strand). VCF-style: chr2-178566915-C-G. GRCh37 (hg19) VCF-style: chr2-179431642-C-G.
Other names: c.74294G>C, p.Cys24765Ser (NM_001256850.1); c.52022G>C, p.Cys17341Ser (NM_003319.4); c.52397G>C, p.Cys17466Ser (NM_133432.3); c.52598G>C, p.Cys17533Ser (NM_133437.4); c.71513G>C, p.Cys23838Ser (NM_133378.4); short protein forms C23838S, C26406S, C17533S, C24765S, C17341S, C17466S.
Identifiers: ClinVar variation 179920 (VCV000179920.5), dbSNP rs727505223, ClinGen allele CA185432.